The following is an entry in ClinVar:

NM_000726.5(CACNB4):c.*4771G>A

Gene: CACNB4 (calcium voltage-gated channel auxiliary subunit beta 4; minus strand). Cytogenetic location: 2q23.3.
Variant type: single nucleotide variant.
Coding change: c.*4771G>A on transcript NM_000726.5 (MANE Select); 4771 bases downstream of the stop codon, G replaced by A.
Molecular consequence: 3 prime UTR variant.
Genome position (GRCh38, 1-based): chr2:151,834,348, C>T on the plus strand (G>A on the coding strand, the complement: CACNB4 is on the minus strand). VCF-style: chr2-151834348-C-T. GRCh37 (hg19) VCF-style: chr2-152690862-C-T.
Other names: c.*4771G>A (NM_001005746.4, NM_001005747.4, NM_001145798.3 and 7 more transcripts).
Identifiers: ClinVar variation 331568 (VCV000331568.7), dbSNP rs80248494, ClinGen allele CA10612319.
Genomic context (GRCh38, chr2:151,834,348, plus strand): 5'-TCCTTCTGCAAACATTTTACATACATCATGAGAAACAAAAGAAAGTTTCATATATAACTA[C>T]GACTCCCCAAACCAATTGCTACTCACTCTTAATTATACTTTGTTTATGGCAAGTAGAAGT-3'

ClinVar aggregate classification (germline): Benign/Likely benign. Review status: criteria provided, multiple submitters, no conflicts (2 of 4 stars). 2 submissions from 2 submitters: Benign (1); Likely benign (1). Last evaluated 2018-01-13.

Conditions:
Episodic ataxia type 5. Identifiers: Orphanet 211067, MedGen C1866039, MONDO:0013464, OMIM 613855.

Allele frequency attached by ClinVar (database versions not stated): 1000 Genomes Project 30x 0.01187; 1000 Genomes Project 0.01198; TOPMed 0.03142; gnomAD 0.03593 and 0.03690.

Submissions (2):

Illumina Laboratory Services, Illumina
Classification: Benign for Episodic ataxia type 5. Last evaluated: 2018-01-13. Review status: criteria provided, single submitter. Criteria: ICSL Variant Classification Criteria 13 December 2019. Collection method: clinical testing. Allele origin: germline.
Comment: This variant was observed in the ICSL laboratory as part of a predisposition screen in an ostensibly healthy population. It had not been previously curated by ICSL or reported in the Human Gene Mutation Database (HGMD: prior to June 1st, 2018), and was therefore a candidate for classification through an automated scoring system. Utilizing variant allele frequency, disease prevalence and penetrance estimates, and inheritance mode, an automated score was calculated to assess if this variant is too frequent to cause the disease. Based on the score and internal cut-off values, a variant classified as benign is not then subjected to further curation. The score for this variant resulted in a classification of benign for this disease.

Breakthrough Genomics
Classification: Likely benign. Review status: criteria provided, single submitter. Criteria: ACMG Guidelines, 2015. Collection method: not provided. Allele origin: germline. Inheritance: Autosomal dominant inheritance. Affected: yes.